The following is an entry in ClinVar:

ClinVar aggregate classification (germline): Likely benign. Review status: criteria provided, multiple submitters, no conflicts (2 of 4 stars). 3 submissions from 3 submitters: Likely benign (3). Last evaluated 2026-03-09.

Conditions:
TTN-related disorder. Also called: TTN-related condition; TTN-related disease; TTN-related disorders.
Cardiovascular phenotype. Identifiers: MedGen CN230736.
Autosomal recessive limb-girdle muscular dystrophy type 2J (LGMDR10). Also called: Limb-girdle muscular dystrophy, type 2J; MUSCULAR DYSTROPHY, LIMB-GIRDLE, AUTOSOMAL RECESSIVE 10. Identifiers: Orphanet 140922, MedGen C1837342, MONDO:0012127, OMIM 608807.
Dilated cardiomyopathy 1G (CMD1G). Identifiers: Orphanet 154, MedGen C1858763, MONDO:0011400, OMIM 604145.

Allele frequency attached by ClinVar (database versions not stated): ExAC 0.00001; gnomAD 0.00001; gnomAD exomes 0.00001; TOPMed 0.00002.
gnomAD v4.1: 7 of 1,612,996 alleles (0.00043%); highest among the groups gnomAD compares: African/African-American, 0.0053%; no homozygotes.

Submissions (3):

PreventionGenetics, part of Exact Sciences
Classification: Likely benign for TTN-related condition. Last evaluated: 2026-03-09. Review status: criteria provided, single submitter. Criteria: ACMG Guidelines, 2015. Collection method: clinical testing. Allele origin: germline.
Comment: This variant is classified as likely benign based on ACMG/AMP sequence variant interpretation guidelines (Richards et al. 2015 PMID: 25741868, with internal and published modifications).

Labcorp Genetics (formerly Invitae), Labcorp
Classification: Likely benign for Dilated cardiomyopathy 1G; Autosomal recessive limb-girdle muscular dystrophy type 2J. Last evaluated: 2025-03-13. Review status: criteria provided, single submitter. Criteria: Invitae Variant Classification Sherloc (09022015). Collection method: clinical testing. Allele origin: germline.

Ambry Genetics
Classification: Likely benign for Cardiovascular phenotype. Last evaluated: 2020-06-28. Review status: criteria provided, single submitter. Criteria: Ambry Variant Classification Scheme 2023. Collection method: clinical testing. Allele origin: germline.

NM_001267550.2(TTN):c.41007T>C (p.Pro13669=)

Gene: TTN (titin; minus strand). Cytogenetic location: 2q31.2.
Variant type: single nucleotide variant.
Coding change: c.41007T>C on transcript NM_001267550.2 (MANE Select); coding-DNA position 41007, T replaced by C.
Protein change: p.Pro13669=; no amino-acid change (proline 13669 retained).
Molecular consequence: synonymous variant.
Genome position (GRCh38, 1-based): chr2:178,636,720, A>G on the plus strand (T>C on the coding strand, the complement: TTN is on the minus strand). VCF-style: chr2-178636720-A-G. GRCh37 (hg19) VCF-style: chr2-179501447-A-G.
Other names: c.36084T>C, p.Pro12028= (NM_001256850.1); c.13812T>C, p.Pro4604= (NM_003319.4); c.33303T>C, p.Pro11101= (NM_133378.4); c.14187T>C, p.Pro4729= (NM_133432.3); c.14388T>C, p.Pro4796= (NM_133437.4).
Identifiers: ClinVar variation 1104675 (VCV001104675.12), dbSNP rs762979127, ClinGen allele CA1996324.
Genomic context (GRCh38, chr2:178,636,720, plus strand): 5'-GATTTCTTTCACAAACTTCAGTGGCACAGCCTTTAGCTGGTAGGTGAACGGGGCTTCATC[A>G]GGAGGTTTCTCTCCACCACTTCCTGGCCTTAACTTTCTCCTTTCGGCTTCTATTGGTGAA-3'
Protein context (NP_001254479.2, residues 13659-13679): LRPGSGGEKP[Pro13669=]DEAPFTYQLK